The following is an entry in ClinVar:

NM_001374353.1(GLI2):c.1106T>C (p.Val369Ala)

Gene: GLI2 (GLI family zinc finger 2; plus strand). Cytogenetic location: 2q14.2.
Variant type: single nucleotide variant.
Coding change: c.1106T>C on transcript NM_001374353.1 (MANE Select); coding-DNA position 1106, T replaced by C.
Protein change: p.Val369Ala; replaces valine 369 with alanine.
Molecular consequence: missense variant.
Genome position (GRCh38, 1-based): chr2:120,971,987, T>C. VCF-style: chr2-120971987-T-C. GRCh37 (hg19) VCF-style: chr2-121729563-T-C.
Other names: c.1106T>C, p.Val369Ala (NM_001371271.1, NM_005270.5); c.731T>C, p.Val244Ala (NM_001374354.1); short protein forms V244A, V369A.
Identifiers: ClinVar variation 892574 (VCV000892574.9), dbSNP rs377454502, ClinGen allele CA1851778.
Genomic context (GRCh38, chr2:120,971,987, plus strand): 5'-GCACCCTTCCTCAGAACAAGCAGAGCAGTGAGTCGGCCGTCAGCAGCACCGTCAACCCTG[T>C]CGCCATTCACAAGCGCAGCAAGGTCAAGACCGAGCCTGAGGGCCTGCGGCCGGCCTCCCC-3'
Protein context (NP_001361282.1, residues 359-379): ESAVSSTVNP[Val369Ala]AIHKRSKVKT

ClinVar aggregate classification (germline): Likely benign. Review status: criteria provided, multiple submitters, no conflicts (2 of 4 stars). 3 submissions from 3 submitters: Likely benign (3). Last evaluated 2025-08-26.

Conditions:
Inborn genetic diseases. Identifiers: MedGen C0950123, MeSH D030342.
Holoprosencephaly 9 (HPE9). Also called: PITUITARY ANOMALIES WITH HOLOPROSENCEPHALY-LIKE FEATURES; HOLOPROSENCEPHALY WITH MICROPHTHALMIA AND FIRST BRANCHIAL ARCH ANOMALIES. Identifiers: Orphanet 2162, MedGen C1835819, MONDO:0012563, OMIM 610829.
Postaxial polydactyly-anterior pituitary anomalies-facial dysmorphism syndrome. Also called: Culler-Jones syndrome. Identifiers: Orphanet 420584, MedGen C4014479, MONDO:0014369, OMIM 615849.

Allele frequency attached by ClinVar (database versions not stated): ExAC 0.00007; gnomAD exomes 0.00003 and 0.00004; gnomAD 0.00019 and 0.00021; ESP Exome Variant Server 0.00031; 1000 Genomes Project 30x 0.00016; 1000 Genomes Project 0.00020; TOPMed 0.00019.
gnomAD v4.1: 65 of 1,613,662 alleles (0.004%); highest among the groups gnomAD compares: African/African-American, 0.077%; no homozygotes.

Submissions (3):

Labcorp Genetics (formerly Invitae), Labcorp
Classification: Likely benign for Postaxial polydactyly-anterior pituitary anomalies-facial dysmorphism syndrome; Holoprosencephaly 9. Last evaluated: 2025-08-26. Review status: criteria provided, single submitter. Criteria: Invitae Variant Classification Sherloc (09022015). Collection method: clinical testing. Allele origin: germline.

Ambry Genetics
Classification: Likely benign for Inborn genetic diseases. Last evaluated: 2021-06-18. Review status: criteria provided, single submitter. Criteria: Ambry Variant Classification Scheme 2023. Collection method: clinical testing. Allele origin: germline.

Illumina Laboratory Services, Illumina
Classification: Likely benign for Holoprosencephaly 9. Last evaluated: 2018-01-12. Review status: criteria provided, single submitter. Criteria: ICSL Variant Classification Criteria 13 December 2019. Collection method: clinical testing. Allele origin: germline.
Comment: This variant was observed in the ICSL laboratory as part of a predisposition screen in an ostensibly healthy population. It had not been previously curated by ICSL or reported in the Human Gene Mutation Database (HGMD: prior to June 1st, 2018), and was therefore a candidate for classification through an automated scoring system. Utilizing variant allele frequency, disease prevalence and penetrance estimates, and inheritance mode, an automated score was calculated to assess if this variant is too frequent to cause the disease. Based on the score and internal cut-off values, a variant classified as likely benign is not then subjected to further curation. The score for this variant resulted in a classification of likely benign for this disease.